The following is an entry in ClinVar:

ClinVar aggregate classification (germline): Conflicting classifications of pathogenicity. Review status: criteria provided, conflicting classifications (1 of 4 stars). 2 submissions from 2 submitters: Uncertain significance (1); Likely benign (1). Last evaluated 2026-02-05.

Conditions:
Susceptibility to respiratory infections associated with CD8alpha chain mutation (IMD116). Also called: Cd8 deficiency, familial; IMMUNODEFICIENCY 116. Identifiers: Orphanet 169085, MedGen C1837065, MONDO:0012161, OMIM 608957.

Submissions (2):

Women's Health and Genetics/Laboratory Corporation of America, LabCorp
Classification: Uncertain significance. Last evaluated: 2026-02-05. Review status: criteria provided, single submitter. Criteria: LabCorp Variant Classification Summary - May 2015. Collection method: clinical testing. Allele origin: germline.
Comment: Variant summary: CD8A c.50-17_50-16delinsGG alters a nucleotide located at a position not widely known to affect splicing. Several computational tools predict a significant impact on normal splicing: Two predict the variant weakens a 3' acceptor site. One predict the variant abolishes a 3' acceptor site. One predict the variant no significant impact on splicing. However, these predictions have yet to be confirmed by functional studies. The variant, which is a multinucleotide combination of 2-86790697-A-C and 2-86790698-G-C, was found at a frequency of 0.00063 in 1590150 control chromosomes in the gnomAD database, including 1 homozygote. This frequency is not significantly higher than estimated for disease-causing variants in CD8A, allowing no conclusion about variant significance. To our knowledge, no occurrence of c.50-17_50-16delinsGG in individuals affected with CD8A-related conditions and no experimental evidence demonstrating its impact on protein function have been reported. ClinVar contains an entry for this variant (Variation ID: 1566627). Based on the evidence outlined above, the variant was classified as uncertain significance.

Labcorp Genetics (formerly Invitae), Labcorp
Classification: Likely benign for Susceptibility to respiratory infections associated with CD8alpha chain mutation. Last evaluated: 2026-01-19. Review status: criteria provided, single submitter. Criteria: Invitae Variant Classification Sherloc (09022015). Collection method: clinical testing. Allele origin: germline.

NM_001768.7(CD8A):c.50-17_50-16delinsGG

Gene: CD8A (CD8 subunit alpha; minus strand). Cytogenetic location: 2p11.2.
Variant type: Indel.
Coding change: c.50-17_50-16delinsGG on transcript NM_001768.7 (MANE Select); 17 bases into the intron before coding-DNA position 50 through 16 bases into the intron before coding-DNA position 50, CT replaced by GG.
Molecular consequence: intron variant.
Genome position (GRCh38, 1-based): chr2:86,790,697-86,790,698, AG replaced by CC on the plus strand (CT replaced by GG on the coding strand, the reverse complement: CD8A is on the minus strand). VCF-style: chr2-86790697-AG-CC. GRCh37 (hg19) VCF-style: chr2-87017820-AG-CC.
Other names: c.50-17_50-16delinsGG (NM_001145873.1, NM_001382698.1, NM_171827.4).
Identifiers: ClinVar variation 1566627 (VCV001566627.9), dbSNP rs2104441020, ClinGen allele CA2573135912.